The following is an entry in ClinVar:

NM_053025.4(MYLK):c.3831+10G>A

Gene: MYLK (myosin light chain kinase; minus strand). Cytogenetic location: 3q21.1.
Variant type: single nucleotide variant.
Coding change: c.3831+10G>A on transcript NM_053025.4 (MANE Select); 10 bases into the intron after coding-DNA position 3831, G replaced by A.
Molecular consequence: intron variant.
Genome position (GRCh38, 1-based): chr3:123,666,209, C>T on the plus strand (G>A on the coding strand, the complement: MYLK is on the minus strand). VCF-style: chr3-123666209-C-T. GRCh37 (hg19) VCF-style: chr3-123385056-C-T.
Other names: c.3303+10G>A (NM_001321309.2); c.3624+10G>A (NM_053028.4, NM_053026.4); c.3831+10G>A (NM_053027.4).
Identifiers: ClinVar variation 511249 (VCV000511249.13), dbSNP rs763161470, ClinGen allele CA070227.

ClinVar aggregate classification (germline): Likely benign. Review status: criteria provided, multiple submitters, no conflicts (2 of 4 stars). 4 submissions from 4 submitters: Likely benign (4). Last evaluated 2025-12-08.

Conditions:
Familial thoracic aortic aneurysm and aortic dissection (TAAD). Also called: Thoracic aortic aneurysms and dissections. Identifiers: Orphanet 91387, MedGen C4707243, MONDO:0019625.
Aortic aneurysm, familial thoracic 7 (AAT7). Also called: AORTIC DISSECTION, FAMILIAL, WITH OR WITHOUT AORTIC ANEURYSM. Identifiers: MedGen C3151077, MONDO:0013418, OMIM 613780.

Allele frequency attached by ClinVar (database versions not stated): gnomAD 0.00005; TOPMed 0.00005.
gnomAD v4.1: 59 of 1,614,110 alleles (0.0037%); highest among the groups gnomAD compares: Admixed American, 0.0083%; no homozygotes.

Submissions (4):

Labcorp Genetics (formerly Invitae), Labcorp
Classification: Likely benign for Aortic aneurysm, familial thoracic 7. Last evaluated: 2025-12-08. Review status: criteria provided, single submitter. Criteria: Invitae Variant Classification Sherloc (09022015). Collection method: clinical testing. Allele origin: germline.

Blueprint Genetics
Classification: Likely benign. Last evaluated: 2024-09-11. Review status: criteria provided, single submitter. Criteria: ACMG Guidelines, 2015. Collection method: clinical testing. Allele origin: germline.

CHEO Genetics Diagnostic Laboratory, Children's Hospital of Eastern Ontario
Classification: Likely benign for Familial thoracic aortic aneurysm and aortic dissection. Last evaluated: 2023-03-15. Review status: criteria provided, single submitter. Criteria: ACMG Guidelines, 2015. Collection method: clinical testing. Allele origin: germline.

GeneDx
Classification: Likely benign. Last evaluated: 2017-08-04. Review status: criteria provided, single submitter. Criteria: GeneDx Variant Classification (06012015). Collection method: clinical testing. Allele origin: germline. Affected: yes.
Comment: This variant is considered likely benign or benign based on one or more of the following criteria: it is a conservative change, it occurs at a poorly conserved position in the protein, it is predicted to be benign by multiple in silico algorithms, and/or has population frequency not consistent with disease.